The following is an entry in ClinVar:

NM_033087.4(ALG2):c.85G>C (p.Ala29Pro)

Gene: ALG2 (ALG2 alpha-1,3/1,6-mannosyltransferase; minus strand). Cytogenetic location: 9q22.33.
Variant type: single nucleotide variant.
Coding change: c.85G>C on transcript NM_033087.4 (MANE Select); coding-DNA position 85, G replaced by C.
Protein change: p.Ala29Pro; replaces alanine 29 with proline.
Molecular consequence: missense variant. On other transcripts: non-coding transcript variant (1).
Genome position (GRCh38, 1-based): chr9:99,221,810, C>G on the plus strand (G>C on the coding strand, the complement: ALG2 is on the minus strand). VCF-style: chr9-99221810-C-G. GRCh37 (hg19) VCF-style: chr9-101984092-C-G.
Other names: short protein forms A29P.
Identifiers: ClinVar variation 917752 (VCV000917752.10), dbSNP rs202053471, ClinGen allele CA5156493.

ClinVar aggregate classification (germline): Uncertain significance. Review status: criteria provided, multiple submitters, no conflicts (2 of 4 stars). 3 submissions from 3 submitters: Uncertain significance (3). Last evaluated 2021-06-24.

Conditions:
Congenital myasthenic syndrome 14. Also called: Myasthenic syndrome, congenital, 14, with tubular aggregates. Identifiers: Orphanet 353327, Orphanet 590, MedGen C4015597, MONDO:0014543, OMIM 616228.
Congenital disorder of glycosylation, type Ii. Also called: CDG Ii; ALG2-congenital disorder of glycosylation; ALG2-CDG. Identifiers: Orphanet 79326, MedGen C1842836, MONDO:0011933, OMIM 607906.

Allele frequency attached by ClinVar (database versions not stated): gnomAD 0.00001 and 0.00002; TOPMed 0.00001; 1000 Genomes Project 0.00020; 1000 Genomes Project 30x 0.00031; ExAC 0.00001.
gnomAD v4.1: 6 of 1,597,720 alleles (0.00038%); highest among the groups gnomAD compares: Admixed American, 0.0033%; no homozygotes.

Submissions (3):

Labcorp Genetics (formerly Invitae), Labcorp
Classification: Uncertain significance for Congenital disorder of glycosylation, type Ii; Congenital myasthenic syndrome 14. Last evaluated: 2021-06-24. Review status: criteria provided, single submitter. Criteria: Invitae Variant Classification Sherloc (09022015). Collection method: clinical testing. Allele origin: germline.
Comment: In summary, the available evidence is currently insufficient to determine the role of this variant in disease. Therefore, it has been classified as a Variant of Uncertain Significance. Algorithms developed to predict the effect of missense changes on protein structure and function (SIFT, PolyPhen-2, Align-GVGD) all suggest that this variant is likely to be disruptive, but these predictions have not been confirmed by published functional studies and their clinical significance is uncertain. This variant has not been reported in the literature in individuals with ALG2-related conditions. ClinVar contains an entry for this variant (Variation ID: 917752). This variant is present in population databases (rs202053471, ExAC 0.009%). This sequence change replaces alanine with proline at codon 29 of the ALG2 protein (p.Ala29Pro). The alanine residue is highly conserved and there is a small physicochemical difference between alanine and proline.

Women's Health and Genetics/Laboratory Corporation of America, LabCorp
Classification: Uncertain significance. Last evaluated: 2020-04-23. Review status: criteria provided, single submitter. Criteria: LabCorp Variant Classification Summary - May 2015. Collection method: clinical testing. Allele origin: germline.
Comment: Variant summary: ALG2 c.85G>C (p.Ala29Pro) results in a non-conservative amino acid change located in the N-terminal domain (IPR028098) of the encoded protein sequence. Five of five in-silico tools predict a damaging effect of the variant on protein function. The variant allele was found at a frequency of 1.4e-05 in 143364 control chromosomes (gnomAD v3). The available data on variant occurrences in the general population are insufficient to allow any conclusion about variant significance. To our knowledge, no occurrence of c.85G>C in individuals affected with Congenital Disorder Of Glycosylation, Type 1i and no experimental evidence demonstrating its impact on protein function have been reported. No clinical diagnostic laboratories have submitted clinical-significance assessments for this variant to ClinVar after 2014. Based on the evidence outlined above, the variant was classified as uncertain significance.

GeneDx
Classification: Uncertain significance. Last evaluated: 2019-11-04. Review status: criteria provided, single submitter. Criteria: GeneDx Variant Classification Process June 2021. Collection method: clinical testing. Allele origin: germline. Affected: yes.
Comment: Has not been previously published as pathogenic or benign to our knowledge; In silico analysis, which includes protein predictors and evolutionary conservation, supports a deleterious effect